The following is an entry in ClinVar:

NM_001458.5(FLNC):c.2684A>G (p.Lys895Arg)

Gene: FLNC (filamin C; plus strand). Cytogenetic location: 7q32.1.
Variant type: single nucleotide variant.
Coding change: c.2684A>G on transcript NM_001458.5 (MANE Select); coding-DNA position 2684, A replaced by G.
Protein change: p.Lys895Arg; replaces lysine 895 with arginine.
Molecular consequence: missense variant.
Genome position (GRCh38, 1-based): chr7:128,843,450, A>G. VCF-style: chr7-128843450-A-G. GRCh37 (hg19) VCF-style: chr7-128483504-A-G.
Other names: c.2684A>G, p.Lys895Arg (NM_001127487.2); short protein forms K895R.
Identifiers: ClinVar variation 3515940 (VCV003515940.1).
Genomic context (GRCh38, chr7:128,843,450, plus strand): 5'-CTCTGGGTGGGTCCTCAGGTGTGGAAGTCGGGAAGCCCACCCACTTCACGGTGCTGACCA[A>G]GGGAGCCGGCAAGGCCAAGCTGGATGTGCAGTTTGCAGGGACAGCCAAGGGCGAGGTTGT-3'
Protein context (NP_001449.3, residues 885-905): GKPTHFTVLT[Lys895Arg]GAGKAKLDVQ

ClinVar aggregate classification (germline): Uncertain significance (1 of 4 stars; one submission).

Conditions:
Cardiovascular phenotype. Identifiers: MedGen CN230736.

gnomAD v4.1: 1 of 1,614,138 alleles (0.000062%); highest among the groups gnomAD compares: East Asian, 0.0022%; no homozygotes.

Submission:

Ambry Genetics
Classification: Uncertain significance for Cardiovascular phenotype. Last evaluated: 2024-08-25. Review status: criteria provided, single submitter. Criteria: Ambry Variant Classification Scheme 2023. Collection method: clinical testing. Allele origin: germline.
Comment: The p.K895R variant (also known as c.2684A>G), located in coding exon 18 of the FLNC gene, results from an A to G substitution at nucleotide position 2684. The lysine at codon 895 is replaced by arginine, an amino acid with highly similar properties. This amino acid position is conserved. In addition, the in silico prediction for this alteration is inconclusive. Based on the available evidence, the clinical significance of this variant remains unclear.